The following is an entry in ClinVar:

ClinVar aggregate classification (germline): Likely pathogenic (3 of 4 stars; one submission).

Conditions:
Juvenile retinoschisis (RS1). Also called: X-linked retinoschisis; X-Linked Juvenile Retinoschisis. Identifiers: Orphanet 792, MedGen C3714753, MONDO:0010725, OMIM 312700.

Submission:

ClinGen X-linked Inherited Retinal Disease Variant Curation Expert Panel, ClinGen
Classification: Likely pathogenic for Juvenile retinoschisis. Last evaluated: 2025-05-19. Review status: reviewed by expert panel. Criteria: ClinGen X LinkedIRD ACMG Specifications RS1 V1.0.0. Collection method: curation. Allele origin: germline. Inheritance: X-linked inheritance.
Comment: The NM_000330.4(RS1):c.533G>C variant is a missense variant encoding the substitution of Glycine with Alanine at amino acid 178. This variant is absent from hemizygous individuals in gnomAD v4.1.0 (PM2_Supporting). The computational predictor REVEL gives a score of 0.941, which is above the ClinGen X-linked IRD VCEP threshold of >0.932 and predicts a damaging effect on RS1 function (PP3_strong). The computational splicing predictor SpliceAI gives a delta score of 0.00 for all predictive splice changes, which is below the ClinGen X-linked IRD VCEP threshold of >0.2 and does not predict that the variant disrupts RS1 splicing. Another missense variant in the same codon, c.533G>A, p.Gly178Asp (PMID: 31087526, 12928282, 31149861, 11738458, 9618178) has been classified as pathogenic for X-linked retinoschisis by the ClinGen X-linked IRD VCEP, while no benign missense variants have been identified in this codon. However, the present variant has a lower Grantham’s distance than the comparison variant, so PM5 cannot be met. The variant has been reported to segregate with retinal dystrophy through two affected males of the same family (PP1; PMID: 31087526). This variant has been reported in at least 1 proband meeting the PS4 requirement of a male diagnosed with X-linked retinoschisis (PMID: 31087526), however, PS4_Supporting requires at least 2 unrelated probands, so this criterion was not met. In summary, this variant is classified as likely pathogenic for X-linked retinoschisis based on the ClinGen X-linked Inherited Retinal Disease Expert Panel Specifications to the ACMG/AMP Variant Interpretation Guidelines for RS1 Version 1.0.0: PM2_supporting, PP1, and PP3_strong (date of approval 01/24/2025).

NC_000023.11:g.18642146C>G

Genes: CDKL5 (cyclin dependent kinase like 5; plus strand), RS1 (retinoschisin 1; minus strand). Cytogenetic location: Xp22.13.
Variant type: single nucleotide variant.
Molecular consequence: missense variant (on NM_000330.4). On other transcripts: intron variant (2).
Genome position: GRCh38 VCF-style: chrX-18642146-C-G. GRCh37 (hg19) VCF-style: chrX-18660266-C-G.
Other names: NM_000330.4(RS1):c.533G>C (p.Gly178Ala); c.533G>C, p.Gly178Ala (NM_000330.4); c.2714-3861C>G (NM_003159.3, NM_001037343.2); short protein forms G178A.
Identifiers: ClinVar variation 3899909 (VCV003899909.1).